The following is an entry in ClinVar:

ClinVar aggregate classification (germline): Likely benign. Review status: criteria provided, multiple submitters, no conflicts (2 of 4 stars). 3 submissions from 3 submitters: Likely benign (3). Last evaluated 2025-01-08.

Conditions:
3-hydroxyisobutyryl-CoA hydrolase deficiency. Also called: VALINE METABOLIC DEFECT; Reduced circulating 3-hydroxyisobutyryl-CoA hydrolase activity; Deficiency of 3-hydroxyisobutyryl CoA hydrolase; HIBCH DEFICIENCY; METHACRYLIC ACID TOXICITY; METHACRYLIC ACIDURIA. Identifiers: Orphanet 88639, MedGen C0342738, MONDO:0009603, OMIM 250620, HP:6000215.

Allele frequency attached by ClinVar (database versions not stated): ESP Exome Variant Server 0.00008; gnomAD 0.00011; TOPMed 0.00014; gnomAD exomes 0.00016 and 0.00022; ExAC 0.00023.
gnomAD v4.1: 281 of 1,613,958 alleles (0.017%); highest among the groups gnomAD compares: Middle Eastern, 0.21%; 4 homozygotes.

Submissions (3):

Labcorp Genetics (formerly Invitae), Labcorp
Classification: Likely benign for 3-hydroxyisobutyryl-CoA hydrolase deficiency. Last evaluated: 2025-01-08. Review status: criteria provided, single submitter. Criteria: Invitae Variant Classification Sherloc (09022015). Collection method: clinical testing. Allele origin: germline.

Blueprint Genetics
Classification: Likely benign. Last evaluated: 2024-11-15. Review status: criteria provided, single submitter. Criteria: ACMG Guidelines, 2015. Collection method: clinical testing. Allele origin: germline.

CeGaT Center for Human Genetics Tuebingen
Classification: Likely benign. Last evaluated: 2023-08-01. Review status: criteria provided, single submitter. Criteria: CeGaT Center For Human Genetics Tuebingen Variant Classification Criteria Version 2. Collection method: clinical testing. Allele origin: germline. Affected: yes. Observed: 1 variant allele.
Comment: HIBCH: BP4

NM_014362.4(HIBCH):c.79-7T>C

Gene: HIBCH (3-hydroxyisobutyryl-CoA hydrolase; minus strand). Cytogenetic location: 2q32.2.
Variant type: single nucleotide variant.
Coding change: c.79-7T>C on transcript NM_014362.4 (MANE Select); 7 bases into the intron before coding-DNA position 79, T replaced by C.
Molecular consequence: intron variant.
Genome position (GRCh38, 1-based): chr2:190,296,960, A>G on the plus strand (T>C on the coding strand, the complement: HIBCH is on the minus strand). VCF-style: chr2-190296960-A-G. GRCh37 (hg19) VCF-style: chr2-191161686-A-G.
Other names: c.79-7T>C (NM_198047.3).
Identifiers: ClinVar variation 707832 (VCV000707832.35), dbSNP rs201950316, ClinGen allele CA2027776.